The following is an entry in ClinVar:

NM_001378778.1(MPDZ):c.5489C>T (p.Ser1830Phe)

Gene: MPDZ (multiple PDZ domain crumbs cell polarity complex component; minus strand). Cytogenetic location: 9p23.
Variant type: single nucleotide variant.
Coding change: c.5489C>T on transcript NM_001378778.1 (MANE Select); coding-DNA position 5489, C replaced by T.
Protein change: p.Ser1830Phe; replaces serine 1830 with phenylalanine.
Molecular consequence: missense variant.
Genome position (GRCh38, 1-based): chr9:13,113,999, G>A on the plus strand (C>T on the coding strand, the complement: MPDZ is on the minus strand). VCF-style: chr9-13113999-G-A. GRCh37 (hg19) VCF-style: chr9-13113998-G-A.
Other names: c.5390C>T, p.Ser1797Phe (NM_001261406.2, NM_001375416.1, NM_001375417.1 and 1 more transcripts); c.5303C>T, p.Ser1768Phe (NM_001261407.2, NM_001375419.1); c.5489C>T, p.Ser1830Phe (NM_001330637.2); c.5588C>T, p.Ser1863Phe (NM_001375413.1); c.5279C>T, p.Ser1760Phe (NM_001375420.1, NM_001375421.1, NM_001375422.1 and 2 more transcripts); c.5192C>T, p.Ser1731Phe (NM_001375425.1, NM_001375426.1); c.5081C>T, p.Ser1694Phe (NM_001375427.1); c.5402C>T, p.Ser1801Phe (NM_003829.5); short protein forms S1731F, S1830F, S1797F, S1863F, S1694F, S1760F, S1768F, S1801F.
Identifiers: ClinVar variation 1449915 (VCV001449915.3), dbSNP rs1467827996, ClinGen allele CA372942237.
Genomic context (GRCh38, chr9:13,113,999, plus strand): 5'-TTCTTTGAGCTACTTTCCAGTGACTCAGATGTACTGGATCCAGAGAGTGGAAAAGTGAAA[G>A]ATGACAGGCTGCCTTCACTCACCTACAAATATACAACAATTATTTCAGAAGGTTTTGCAA-3'
Protein context (NP_001365707.1, residues 1820-1840): SSQVSEGSLS[Ser1830Phe]FTFPLSGSST

ClinVar aggregate classification (germline): Uncertain significance (1 of 4 stars; one submission).

Allele frequency attached by ClinVar (database versions not stated): gnomAD 0.00001.
gnomAD v4.1: 1 of 1,596,380 alleles (0.000063%); highest among the groups gnomAD compares: Non-Finnish European, 0.000085%; no homozygotes.

Submission:

Labcorp Genetics (formerly Invitae), Labcorp
Classification: Uncertain significance. Last evaluated: 2021-10-27. Review status: criteria provided, single submitter. Criteria: Invitae Variant Classification Sherloc (09022015). Collection method: clinical testing. Allele origin: germline.
Comment: This sequence change replaces serine, a(n) neutral and polar amino acid, with phenylalanine, a(n) neutral and non-polar amino acid, at codon 1801 of the MPDZ protein (p.Ser1801Phe). The frequency data for this variant in the population databases is considered unreliable, as metrics indicate poor data quality at this position in the gnomAD database. This variant has not been reported in the literature in individuals affected with MPDZ-related conditions. Algorithms developed to predict the effect of missense changes on protein structure and function (SIFT, PolyPhen-2, Align-GVGD) all suggest that this variant is likely to be disruptive. In summary, the available evidence is currently insufficient to determine the role of this variant in disease. Therefore, it has been classified as a Variant of Uncertain Significance.